The following is an entry in ClinVar:

NM_004360.5(CDH1):c.1380A>G (p.Val460=)

Gene: CDH1 (cadherin 1; plus strand). Cytogenetic location: 16q22.1.
Variant type: single nucleotide variant.
Coding change: c.1380A>G on transcript NM_004360.5 (MANE Select); coding-DNA position 1380, A replaced by G.
Protein change: p.Val460=; no amino-acid change (valine 460 retained).
Molecular consequence: synonymous variant. On other transcripts: 5 prime UTR variant (2).
Genome position (GRCh38, 1-based): chr16:68,815,574, A>G. VCF-style: chr16-68815574-A-G. GRCh37 (hg19) VCF-style: chr16-68849477-A-G.
Other names: c.1197A>G, p.Val399= (NM_001317184.2); c.-169A>G (NM_001317185.2); c.-440A>G (NM_001317186.2); c.1380A>G (NM_004360.4).
Identifiers: ClinVar variation 796477 (VCV000796477.15), dbSNP rs1597897867, ClinGen allele CA496153947.

ClinVar aggregate classification (germline): Benign/Likely benign. Review status: criteria provided, multiple submitters, no conflicts (2 of 4 stars). 4 submissions from 4 submitters: Benign (1); Likely benign (3). Last evaluated 2026-01-06.

Conditions:
CDH1-related diffuse gastric and lobular breast cancer syndrome. Also called: CDH1-related diffuse gastric and lobular breast cancer. Identifiers: MedGen CN311521, MONDO:0100488.
Hereditary cancer-predisposing syndrome. Also called: Neoplastic Syndromes, Hereditary; Hereditary Cancer Syndrome; Tumor predisposition; Hereditary neoplastic syndrome. Identifiers: Orphanet 140162, MedGen C0027672, MeSH D009386, MONDO:0015356.
Hereditary diffuse gastric adenocarcinoma (HDGC). Also called: DIFFUSE GASTRIC AND LOBULAR BREAST CANCER SYNDROME. Identifiers: Orphanet 26106, MedGen C1708349, MONDO:0007648, OMIM 137215.

Submissions (4):

Labcorp Genetics (formerly Invitae), Labcorp
Classification: Likely benign for Hereditary diffuse gastric adenocarcinoma. Last evaluated: 2026-01-06. Review status: criteria provided, single submitter. Criteria: Invitae Variant Classification Sherloc (09022015). Collection method: clinical testing. Allele origin: germline.

Myriad Genetics, Inc.
Classification: Benign for Hereditary diffuse gastric adenocarcinoma. Last evaluated: 2024-09-18. Review status: criteria provided, single submitter. Criteria: Myriad Autosomal Dominant, Autosomal Recessive and X-Linked Classification Criteria (2023). Collection method: clinical testing. Allele origin: unknown.
Comment: This variant is considered benign. This variant is a silent/synonymous amino acid change and it is not expected to impact splicing.

Ambry Genetics
Classification: Likely benign for Hereditary cancer-predisposing syndrome. Last evaluated: 2021-09-12. Review status: criteria provided, single submitter. Criteria: Ambry Variant Classification Scheme 2023. Collection method: clinical testing. Allele origin: germline.

Department of Pathology and Laboratory Medicine, Sinai Health System
Classification: Likely benign for CDH1-related diffuse gastric and lobular breast cancer syndrome. Last evaluated: 2020-04-02. Review status: criteria provided, single submitter. Criteria: ACMG Guidelines, 2015. Collection method: clinical testing. Allele origin: germline. Affected: no.